The following is an entry in ClinVar:

NM_015466.4(PTPN23):c.4360G>A (p.Glu1454Lys)

Gene: PTPN23 (protein tyrosine phosphatase non-receptor type 23; plus strand). Cytogenetic location: 3p21.31.
Variant type: single nucleotide variant.
Coding change: c.4360G>A on transcript NM_015466.4 (MANE Select); coding-DNA position 4360, G replaced by A.
Protein change: p.Glu1454Lys; replaces glutamic acid 1454 with lysine.
Molecular consequence: missense variant.
Genome position (GRCh38, 1-based): chr3:47,412,556, G>A. VCF-style: chr3-47412556-G-A. GRCh37 (hg19) VCF-style: chr3-47454046-G-A.
Other names: c.4360G>A (NM_015466.3, NM_015466.2); c.3982G>A, p.Glu1328Lys (NM_001304482.2); short protein forms E1328K, E1454K.
Identifiers: ClinVar variation 1580359 (VCV001580359.12), dbSNP rs199529980, ClinGen allele CA2366578.
Genomic context (GRCh38, chr3:47,412,556, plus strand): 5'-CCAAATGCACCTGTGCAGCTGCACCTCAGGTTCTGCTATGAGGCAGTGGTGAGACACGTG[G>A]AGCAGGTCCTGCAGCGCCATGGTGTGCCTCCTCCATGCAAACCCTTGGCCAGTGCAAGCA-3'
Protein context (NP_056281.1, residues 1444-1464): FCYEAVVRHV[Glu1454Lys]QVLQRHGVPP

ClinVar aggregate classification (germline): Benign/Likely benign. Review status: criteria provided, multiple submitters, no conflicts (2 of 4 stars). 4 submissions from 4 submitters: Benign (2); Likely benign (1). 1 of the submissions does not count toward it. Last evaluated 2026-01-19.

Conditions:
PTPN23-related disorder. Also called: PTPN23-related condition.
Inborn genetic diseases. Identifiers: MedGen C0950123, MeSH D030342.

Allele frequency attached by ClinVar (database versions not stated): ESP Exome Variant Server 0.00015; TOPMed 0.00031; gnomAD 0.00037 and 0.00038; ExAC 0.00050; gnomAD exomes 0.00067.
gnomAD v4.1: 554 of 1,613,516 alleles (0.034%); highest among the groups gnomAD compares: Non-Finnish European, 0.0064%; 4 homozygotes.

Submissions (4):

Labcorp Genetics (formerly Invitae), Labcorp
Classification: Benign. Last evaluated: 2026-01-19. Review status: criteria provided, single submitter. Criteria: Invitae Variant Classification Sherloc (09022015). Collection method: clinical testing. Allele origin: germline.

Blueprint Genetics
Classification: Likely benign. Last evaluated: 2024-11-11. Review status: criteria provided, single submitter. Criteria: ACMG Guidelines, 2015. Collection method: clinical testing. Allele origin: germline.

Ambry Genetics
Classification: Benign for Inborn genetic diseases. Last evaluated: 2022-10-27. Review status: criteria provided, single submitter. Criteria: Ambry Variant Classification Scheme 2023. Collection method: clinical testing. Allele origin: germline.

PreventionGenetics, part of Exact Sciences
Classification: Benign for PTPN23-related condition. Last evaluated: 2019-05-31. Review status: no assertion criteria provided. Collection method: clinical testing. Allele origin: germline. Not counted in ClinVar's aggregate classification.
Comment: This variant is classified as benign based on ACMG/AMP sequence variant interpretation guidelines (Richards et al. 2015 PMID: 25741868, with internal and published modifications).